The following is an entry in ClinVar:

ClinVar aggregate classification (germline): Uncertain significance (1 of 4 stars; one submission).

Conditions:
GTP cyclohydrolase I deficiency with hyperphenylalaninemia (HPABH4B). Also called: HYPERPHENYLALANINEMIA, BH4-DEFICIENT, B; HYPERPHENYLALANINEMIA, TETRAHYDROBIOPTERIN-DEFICIENT, DUE TO GTP CYCLOHYDROLASE I DEFICIENCY; Hyperphenylalaninemia, tetrahydrobiopterin-deficient, due to GTP cyclohydrolase 1 deficiency. Identifiers: Orphanet 2102, Orphanet 238583, MedGen CN305333, MONDO:0100186, OMIM 233910.

gnomAD v4.1: 1 of 1,586,014 alleles (0.000063%); highest among the groups gnomAD compares: Non-Finnish European, 0.000087%; no homozygotes.

Submission:

3billion
Classification: Uncertain significance for GTP cyclohydrolase I deficiency with hyperphenylalaninemia. Last evaluated: 2024-08-08. Review status: criteria provided, single submitter. Criteria: ACMG Guidelines, 2015. Collection method: clinical testing. Allele origin: germline. Affected: yes.
Comment: The variant is observed at an extremely low frequency in the gnomAD v4.0.0 dataset (total allele frequency: <0.001%). Predicted Consequence/Location: Missense variant In silico tool predictions suggest damaging effect of the variant on gene or gene product [REVEL: 0.87 (>=0.6, sensitivity 0.68 and specificity 0.92); 3Cnet: 0.98 (>=0.6, sensitivity 0.72 and precision 0.9)]. The same nucleotide change resulting in the same amino acid change has been previously reported to be associated with GCH1 related disorder (PMID: 32905092). However, the evidence of pathogenicity is insufficient at this time. Therefore, this variant is classified as VUS according to the recommendation of ACMG/AMP guideline.

Literature cited by the submitters: PubMed 32905092.

NM_000161.3(GCH1):c.377A>T (p.His126Leu)

Gene: GCH1 (GTP cyclohydrolase 1; minus strand). Cytogenetic location: 14q22.2.
Variant type: single nucleotide variant.
Coding change: c.377A>T on transcript NM_000161.3 (MANE Select); coding-DNA position 377, A replaced by T.
Protein change: p.His126Leu; replaces histidine 126 with leucine.
Molecular consequence: missense variant.
Genome position (GRCh38, 1-based): chr14:54,865,403, T>A on the plus strand (A>T on the coding strand, the complement: GCH1 is on the minus strand). VCF-style: chr14-54865403-T-A. GRCh37 (hg19) VCF-style: chr14-55332121-T-A.
Other names: c.377A>T, p.His126Leu (NM_001024024.2, NM_001024070.2, NM_001024071.2 and 1 more transcripts); c.83A>T, p.His28Leu (NM_001424105.1); short protein forms H126L, H28L.
Identifiers: ClinVar variation 4292450 (VCV004292450.1).